The following is an entry in ClinVar:

ClinVar aggregate classification (germline): Uncertain significance (1 of 4 stars; one submission).

Submission:

Labcorp Genetics (formerly Invitae), Labcorp
Classification: Uncertain significance. Last evaluated: 2023-07-03. Review status: criteria provided, single submitter. Criteria: Invitae Variant Classification Sherloc (09022015). Collection method: clinical testing. Allele origin: germline.
Comment: This variant has not been reported in the literature in individuals affected with VEGFA-related conditions. ClinVar contains an entry for this variant (Variation ID: 1007657). In summary, the available evidence is currently insufficient to determine the role of this variant in disease. Therefore, it has been classified as a Variant of Uncertain Significance. This sequence change creates a premature translational stop signal (p.Asp3Glufs*51) in the VEGFA gene. It is expected to result in an absent or disrupted protein product. However, the current clinical and genetic evidence is not sufficient to establish whether loss-of-function variants in VEGFA cause disease. This variant is not present in population databases (gnomAD no frequency).

NM_003376.6(VEGFA):c.7_8dup (p.Asp3fs)

Gene: VEGFA (vascular endothelial growth factor A; plus strand). Cytogenetic location: 6p21.1.
Variant type: Duplication.
Coding change: c.7_8dup on transcript NM_003376.6 (MANE Select); coding-DNA positions 7 to 8, 2 bases duplicated (GA; older notation c.7_8dupGA).
Protein change: p.Asp3fs; shifts the reading frame from aspartic acid 3.
Molecular consequence: frameshift variant. On other transcripts: 5 prime UTR variant (10).
Genome position (GRCh38, 1-based): chr6:43,770,713-43,770,714, GA duplicated. VCF-style (leftmost placement, unchanged base first): chr6-43770712-G-GGA. GRCh37 (hg19) VCF-style: chr6-43738449-G-GGA.
Other names: c.-534_-533dup (NM_001171627.2, NM_001171628.2, NM_001171629.2 and 7 more transcripts); c.7_8dup, p.Asp3fs (NM_001204385.2, NM_001025366.3, NM_001025367.3 and 5 more transcripts); short protein forms D3fs.
Identifiers: ClinVar variation 1007657 (VCV001007657.9), dbSNP rs1763265283, ClinGen allele CA645549144.